The following is an entry in ClinVar:

NM_017433.5(MYO3A):c.1682T>G (p.Leu561Arg)

Gene: MYO3A (myosin IIIA; plus strand). Cytogenetic location: 10p12.1.
Variant type: single nucleotide variant.
Coding change: c.1682T>G on transcript NM_017433.5 (MANE Select); coding-DNA position 1682, T replaced by G.
Protein change: p.Leu561Arg; replaces leucine 561 with arginine.
Molecular consequence: missense variant.
Genome position (GRCh38, 1-based): chr10:26,096,588, T>G. VCF-style: chr10-26096588-T-G. GRCh37 (hg19) VCF-style: chr10-26385517-T-G.
Other names: short protein forms L561R.
Identifiers: ClinVar variation 2127477 (VCV002127477.4), dbSNP rs2493234942, ClinGen allele CA376336834.

ClinVar aggregate classification (germline): Uncertain significance (1 of 4 stars; one submission).

Allele frequency attached by ClinVar (database versions not stated): gnomAD exomes below 0.00001.
gnomAD v4.1: 1 of 1,604,552 alleles (0.000062%); highest among the groups gnomAD compares: Non-Finnish European, 0.000085%; no homozygotes.

Submission:

Labcorp Genetics (formerly Invitae), Labcorp
Classification: Uncertain significance. Last evaluated: 2022-11-01. Review status: criteria provided, single submitter. Criteria: Invitae Variant Classification Sherloc (09022015). Collection method: clinical testing. Allele origin: germline.
Comment: This variant has not been reported in the literature in individuals affected with MYO3A-related conditions. In summary, the available evidence is currently insufficient to determine the role of this variant in disease. Therefore, it has been classified as a Variant of Uncertain Significance. Advanced modeling of protein sequence and biophysical properties (such as structural, functional, and spatial information, amino acid conservation, physicochemical variation, residue mobility, and thermodynamic stability) performed at Invitae indicates that this missense variant is not expected to disrupt MYO3A protein function. This variant is not present in population databases (gnomAD no frequency). This sequence change replaces leucine, which is neutral and non-polar, with arginine, which is basic and polar, at codon 561 of the MYO3A protein (p.Leu561Arg).